The following is an entry in ClinVar:

ClinVar aggregate classification (germline): Conflicting classifications of pathogenicity. Review status: criteria provided, conflicting classifications (1 of 4 stars). 2 submissions from 2 submitters: Likely pathogenic (1); Uncertain significance (1). Last evaluated 2024-05-07.

Conditions:
Hypertrichotic osteochondrodysplasia Cantu type. Also called: Cantú Syndrome; Cantu Syndrome. Identifiers: Orphanet 1517, MedGen C0795905, MONDO:0009406, OMIM 239850.

Submissions (2):

Institute of Human Genetics, FAU Erlangen, Friedrich-Alexander-Universität Erlangen-Nürnberg
Classification: Likely pathogenic for Hypertrichotic osteochondrodysplasia Cantu type. Last evaluated: 2024-05-07. Review status: criteria provided, single submitter. Criteria: Hauer et al. (Genet Med. 2018). Collection method: clinical testing. Allele origin: germline. Inheritance: Autosomal dominant inheritance. Affected: yes. Observed: 2 variant alleles.
Comment: This variant has been identified by standard clinical testing. Selected ACMG criteria: Likely pathogenic (VI):PP5;PP4;PP3;PP2;PM2

Genetic Services Laboratory, University of Chicago
Classification: Uncertain significance. Last evaluated: 2016-05-06. Review status: criteria provided, single submitter. Criteria: ACMG Guidelines, 2015. Collection method: clinical testing. Allele origin: germline. Affected: no.

NM_020297.4(ABCC9):c.881G>A (p.Gly294Glu)

Gene: ABCC9 (ATP binding cassette subfamily C member 9; minus strand). Cytogenetic location: 12p12.1.
Variant type: single nucleotide variant.
Coding change: c.881G>A on transcript NM_020297.4 (MANE Select); coding-DNA position 881, G replaced by A.
Protein change: p.Gly294Glu; replaces glycine 294 with glutamic acid.
Molecular consequence: missense variant.
Genome position (GRCh38, 1-based): chr12:21,913,002, C>T on the plus strand (G>A on the coding strand, the complement: ABCC9 is on the minus strand). VCF-style: chr12-21913002-C-T. GRCh37 (hg19) VCF-style: chr12-22065936-C-T.
Other names: c.881G>A, p.Gly294Glu (NM_001377273.1, NM_005691.4); c.17G>A, p.Gly6Glu (NM_001377274.1); short protein forms G294E, G6E.
Identifiers: ClinVar variation 434061 (VCV000434061.7), dbSNP rs1555115054, ClinGen allele CA384121576.